The following is an entry in ClinVar:

NM_172107.4(KCNQ2):c.514+5G>A

Gene: KCNQ2 (potassium voltage-gated channel subfamily Q member 2; minus strand). Cytogenetic location: 20q13.33.
Variant type: single nucleotide variant.
Coding change: c.514+5G>A on transcript NM_172107.4 (MANE Select); 5 bases into the intron after coding-DNA position 514, G replaced by A.
Molecular consequence: intron variant.
Genome position (GRCh38, 1-based): chr20:63,445,233, C>T on the plus strand (G>A on the coding strand, the complement: KCNQ2 is on the minus strand). VCF-style: chr20-63445233-C-T. GRCh37 (hg19) VCF-style: chr20-62076586-C-T.
Other names: c.514+5G>A (NM_004518.6, NM_172108.5, NM_172106.3 and 1 more transcripts).
Identifiers: ClinVar variation 859858 (VCV000859858.2), dbSNP rs2081377457, ClinGen allele CA916083764.

ClinVar aggregate classification (germline): Uncertain significance (1 of 4 stars; one submission).

Conditions:
Developmental and epileptic encephalopathy. Identifiers: MedGen C5779964, MONDO:0100620.

Submission:

Labcorp Genetics (formerly Invitae), Labcorp
Classification: Uncertain significance for Early infantile epileptic encephalopathy with suppression bursts. Last evaluated: 2019-06-01. Review status: criteria provided, single submitter. Criteria: Invitae Variant Classification Sherloc (09022015). Collection method: clinical testing. Allele origin: germline.
Comment: This sequence change falls in intron 3 of the KCNQ2 gene. It does not directly change the encoded amino acid sequence of the KCNQ2 protein, but it affects a nucleotide within the consensus splice site of the intron. This variant is not present in population databases (ExAC no frequency). This variant has not been reported in the literature in individuals with KCNQ2-related conditions. Nucleotide substitutions within the consensus splice site are a relatively common cause of aberrant splicing (PMID: 17576681, 9536098). Algorithms developed to predict the effect of sequence changes on RNA splicing suggest that this variant may disrupt the consensus splice site, but this prediction has not been confirmed by published transcriptional studies. In summary, the available evidence is currently insufficient to determine the role of this variant in disease. Therefore, it has been classified as a Variant of Uncertain Significance.